The following is an entry in ClinVar:

NM_001142864.4(PIEZO1):c.1969C>T (p.Arg657Cys)

Genes: HSALR1 (HSP90AB1 associated lncRNA 1; plus strand), PIEZO1 (piezo type mechanosensitive ion channel component 1 (Er blood group); minus strand). Cytogenetic location: 16q24.3.
Variant type: single nucleotide variant.
Coding change: c.1969C>T on transcript NM_001142864.4 (MANE Select); coding-DNA position 1969, C replaced by T.
Protein change: p.Arg657Cys; replaces arginine 657 with cysteine.
Molecular consequence: missense variant.
Genome position (GRCh38, 1-based): chr16:88,734,678, G>A on the plus strand (C>T on the coding strand, the complement: PIEZO1 is on the minus strand). VCF-style: chr16-88734678-G-A. GRCh37 (hg19) VCF-style: chr16-88801086-G-A.
Other names: short protein forms R657C.
Identifiers: ClinVar variation 3899731 (VCV003899731.2).

ClinVar aggregate classification (germline): Uncertain significance. Review status: criteria provided, multiple submitters, no conflicts (2 of 4 stars). 2 submissions from 2 submitters: Uncertain significance (2). Last evaluated 2025-11-08.

Conditions:
Inborn genetic diseases. Identifiers: MedGen C0950123, MeSH D030342.

Submissions (2):

Ambry Genetics
Classification: Uncertain significance for Inborn genetic diseases. Last evaluated: 2025-11-08. Review status: criteria provided, single submitter. Criteria: Ambry Variant Classification Scheme 2023. Collection method: clinical testing. Allele origin: germline.

GeneDx
Classification: Uncertain significance. Last evaluated: 2024-11-18. Review status: criteria provided, single submitter. Criteria: GeneDx Variant Classification Process June 2021. Collection method: clinical testing. Allele origin: germline. Affected: yes.
Comment: Not observed at significant frequency in large population cohorts (gnomAD); In silico analysis supports that this missense variant has a deleterious effect on protein structure/function; Has not been previously published as pathogenic or benign to our knowledge